The following is an entry in ClinVar:

NM_004104.5(FASN):c.7325A>G (p.Asn2442Ser)

Genes: FASN (fatty acid synthase; minus strand), LOC129390948 (MPRA-validated peak3028 silencer; plus strand). Cytogenetic location: 17q25.3.
Variant type: single nucleotide variant.
Coding change: c.7325A>G on transcript NM_004104.5 (MANE Select); coding-DNA position 7325, A replaced by G.
Protein change: p.Asn2442Ser; replaces asparagine 2442 with serine.
Molecular consequence: missense variant.
Genome position (GRCh38, 1-based): chr17:82,079,430, T>C on the plus strand (A>G on the coding strand, the complement: FASN is on the minus strand). VCF-style: chr17-82079430-T-C. GRCh37 (hg19) VCF-style: chr17-80037306-T-C.
Other names: c.7325A>G (NM_004104.4); short protein forms N2442S.
Identifiers: ClinVar variation 1061441 (VCV001061441.10), dbSNP rs1249932478, ClinGen allele CA14485398.

ClinVar aggregate classification (germline): Uncertain significance. Review status: criteria provided, multiple submitters, no conflicts (2 of 4 stars). 2 submissions from 2 submitters: Uncertain significance (2). Last evaluated 2025-09-10.

Conditions:
Epileptic encephalopathy. Identifiers: MedGen C0543888, HP:0200134.

Allele frequency attached by ClinVar (database versions not stated): gnomAD exomes below 0.00001; TOPMed below 0.00001; gnomAD 0.00001.
gnomAD v4.1: 3 of 1,612,952 alleles (0.00019%); highest among the groups gnomAD compares: African/African-American, 0.0013%; no homozygotes.

Submissions (2):

Labcorp Genetics (formerly Invitae), Labcorp
Classification: Uncertain significance for Epileptic encephalopathy. Last evaluated: 2025-09-10. Review status: criteria provided, single submitter. Criteria: Invitae Variant Classification Sherloc (09022015). Collection method: clinical testing. Allele origin: germline.
Comment: This sequence change replaces asparagine, which is neutral and polar, with serine, which is neutral and polar, at codon 2442 of the FASN protein (p.Asn2442Ser). This variant is present in population databases (no rsID available, gnomAD 0.004%). This variant has not been reported in the literature in individuals affected with FASN-related conditions. ClinVar contains an entry for this variant (Variation ID: 1061441). An algorithm developed to predict the effect of missense changes on protein structure and function (PolyPhen-2) suggests that this variant is likely to be tolerated. In summary, the available evidence is currently insufficient to determine the role of this variant in disease. Therefore, it has been classified as a Variant of Uncertain Significance.

Ambry Genetics
Classification: Uncertain significance. Last evaluated: 2025-03-27. Review status: criteria provided, single submitter. Criteria: Ambry Variant Classification Scheme 2023. Collection method: clinical testing. Allele origin: germline.